The following is an entry in ClinVar:

ClinVar aggregate classification (germline): Uncertain significance (1 of 4 stars; one submission).

Submission:

GeneDx
Classification: Uncertain significance. Last evaluated: 2022-08-24. Review status: criteria provided, single submitter. Criteria: GeneDx Variant Classification Process June 2021. Collection method: clinical testing. Allele origin: germline. Affected: yes.
Comment: Not observed at significant frequency in large population cohorts (gnomAD); In silico analysis supports that this missense variant has a deleterious effect on protein structure/function; Has not been previously published as pathogenic or benign to our knowledge

NM_022168.4(IFIH1):c.2134T>C (p.Tyr712His)

Gene: IFIH1 (interferon induced with helicase C domain 1; minus strand). Cytogenetic location: 2q24.2.
Variant type: single nucleotide variant.
Coding change: c.2134T>C on transcript NM_022168.4 (MANE Select); coding-DNA position 2134, T replaced by C.
Protein change: p.Tyr712His; replaces tyrosine 712 with histidine.
Molecular consequence: missense variant.
Genome position (GRCh38, 1-based): chr2:162,276,857, A>G on the plus strand (T>C on the coding strand, the complement: IFIH1 is on the minus strand). VCF-style: chr2-162276857-A-G. GRCh37 (hg19) VCF-style: chr2-163133367-A-G.
Other names: short protein forms Y712H.
Identifiers: ClinVar variation 1703425 (VCV001703425.2), dbSNP rs2468958140, ClinGen allele CA348997434.
Genomic context (GRCh38, chr2:162,276,857, plus strand): 5'-ATGCACTCTGTCGTGTTTTTGTAAAGATTATTCCTCGTGCTGATTCCTCAGTCCTAGTAT[A>G]TTGCTCCATTATGGTATTTCTTAATTTGGTCAGCTTTTCATTTTCATATTCTGGGTTTTC-3'
Protein context (NP_071451.2, residues 702-722): TKLRNTIMEQ[Tyr712His]TRTEESARGI